The following is an entry in ClinVar:

ClinVar aggregate classification (germline): Uncertain significance (1 of 4 stars; one submission).

Conditions:
Nemaline myopathy 2 (NEM2). Also called: Nemaline myopathy 2, autosomal recessive. Identifiers: MedGen C1850569, MONDO:0009725, OMIM 256030.

Allele frequency attached by ClinVar (database versions not stated): ExAC 0.00001; gnomAD 0.00001; gnomAD exomes 0.00001; TOPMed 0.00001; ESP Exome Variant Server 0.00009.
gnomAD v4.1: 10 of 1,600,302 alleles (0.00062%); highest among the groups gnomAD compares: Middle Eastern, 0.017%; no homozygotes.

Submission:

Baylor Genetics
Classification: Uncertain significance for Nemaline myopathy 2. Last evaluated: 2019-02-21. Review status: criteria provided, single submitter. Criteria: ACMG Guidelines, 2015. Collection method: clinical testing. Allele origin: unknown. Affected: yes.
Comment: This variant was determined to be of uncertain significance according to ACMG Guidelines, 2015 [PMID:25741868].

NM_001164508.2(NEB):c.6767A>G (p.Asp2256Gly)

Gene: NEB (nebulin; minus strand). Cytogenetic location: 2q23.3.
Variant type: single nucleotide variant.
Coding change: c.6767A>G on transcript NM_001164508.2 (MANE Select); coding-DNA position 6767, A replaced by G.
Protein change: p.Asp2256Gly; replaces aspartic acid 2256 with glycine.
Molecular consequence: missense variant.
Genome position (GRCh38, 1-based): chr2:151,655,310, T>C on the plus strand (A>G on the coding strand, the complement: NEB is on the minus strand). VCF-style: chr2-151655310-T-C. GRCh37 (hg19) VCF-style: chr2-152511824-T-C.
Other names: c.6767A>G, p.Asp2256Gly (NM_001164507.2, NM_001271208.2, NM_004543.5); short protein forms D2256G.
Identifiers: ClinVar variation 1029272 (VCV001029272.1), dbSNP rs373713314, ClinGen allele CA1910010.